The following is an entry in ClinVar:

NM_006766.5(KAT6A):c.1280G>T (p.Arg427Leu)

Gene: KAT6A (lysine acetyltransferase 6A; minus strand). Cytogenetic location: 8p11.21.
Variant type: single nucleotide variant.
Coding change: c.1280G>T on transcript NM_006766.5 (MANE Select); coding-DNA position 1280, G replaced by T.
Protein change: p.Arg427Leu; replaces arginine 427 with leucine.
Molecular consequence: missense variant.
Genome position (GRCh38, 1-based): chr8:41,977,091, C>A on the plus strand (G>T on the coding strand, the complement: KAT6A is on the minus strand). VCF-style: chr8-41977091-C-A. GRCh37 (hg19) VCF-style: chr8-41834609-C-A.
Other names: c.1280G>T, p.Arg427Leu (NM_001305878.2); short protein forms R427L.
Identifiers: ClinVar variation 430275 (VCV000430275.2), dbSNP rs1131691878, ClinGen allele CA371075718.

ClinVar aggregate classification (germline): Likely pathogenic (1 of 4 stars; one submission).

Submission:

GeneDx
Classification: Likely pathogenic. Last evaluated: 2015-11-19. Review status: criteria provided, single submitter. Criteria: GeneDx Variant Classification (06012015). Collection method: clinical testing. Allele origin: germline. Affected: yes.
Comment: The R427L variant in the KAT6A gene has not been reported previously as a pathogenic variant, nor as a benign variant, to our knowledge. The R427L variant was not observed in approximately 6500 individuals of European and African American ancestry in the NHLBI Exome Sequencing Project, indicating it is not a common benign variant in these populations. The R427L variant is a non-conservative amino acid substitution, which is likely to impact secondary protein structure as these residues differ in polarity, charge, size and/or other properties. This substitution occurs at a position that is conserved across species. In silico analysis is inconsistent in its predictions as to whether or not the variant is damaging to the protein structure/function. The R427L variant is a strong candidate for a pathogenic variant